The following is an entry in ClinVar:

NM_032833.5(PPP1R15B):c.74T>C (p.Phe25Ser)

Gene: PPP1R15B (protein phosphatase 1 regulatory subunit 15B; minus strand). Cytogenetic location: 1q32.1.
Variant type: single nucleotide variant.
Coding change: c.74T>C on transcript NM_032833.5 (MANE Select); coding-DNA position 74, T replaced by C.
Protein change: p.Phe25Ser; replaces phenylalanine 25 with serine.
Molecular consequence: missense variant.
Genome position (GRCh38, 1-based): chr1:204,411,338, A>G on the plus strand (T>C on the coding strand, the complement: PPP1R15B is on the minus strand). VCF-style: chr1-204411338-A-G. GRCh37 (hg19) VCF-style: chr1-204380466-A-G.
Other names: short protein forms F25S.
Identifiers: ClinVar variation 3700039 (VCV003700039.2).

ClinVar aggregate classification (germline): Uncertain significance (1 of 4 stars; one submission).

gnomAD v4.1: 2 of 1,614,004 alleles (0.00012%); highest among the groups gnomAD compares: South Asian, 0.0011%; no homozygotes.

Submission:

Labcorp Genetics (formerly Invitae), Labcorp
Classification: Uncertain significance. Last evaluated: 2024-02-08. Review status: criteria provided, single submitter. Criteria: Invitae Variant Classification Sherloc (09022015). Collection method: clinical testing. Allele origin: germline.
Comment: This sequence change replaces phenylalanine, which is neutral and non-polar, with serine, which is neutral and polar, at codon 25 of the PPP1R15B protein (p.Phe25Ser). This variant is not present in population databases (gnomAD no frequency). This variant has not been reported in the literature in individuals affected with PPP1R15B-related conditions. An algorithm developed to predict the effect of missense changes on protein structure and function (PolyPhen-2) suggests that this variant is likely to be disruptive. In summary, the available evidence is currently insufficient to determine the role of this variant in disease. Therefore, it has been classified as a Variant of Uncertain Significance.